The following is an entry in ClinVar:

NM_014263.4(YME1L1):c.925A>G (p.Ile309Val)

Gene: YME1L1 (YME1 like 1 ATPase; minus strand). Cytogenetic location: 10p12.1.
Variant type: single nucleotide variant.
Coding change: c.925A>G on transcript NM_014263.4 (MANE Select); coding-DNA position 925, A replaced by G.
Protein change: p.Ile309Val; replaces isoleucine 309 with valine.
Molecular consequence: missense variant.
Genome position (GRCh38, 1-based): chr10:27,126,720, T>C on the plus strand (A>G on the coding strand, the complement: YME1L1 is on the minus strand). VCF-style: chr10-27126720-T-C. GRCh37 (hg19) VCF-style: chr10-27415649-T-C.
Other names: c.826A>G, p.Ile276Val (NM_001253866.2); c.1096A>G, p.Ile366Val (NM_139312.3); short protein forms I276V, I309V, I366V.
Identifiers: ClinVar variation 3818067 (VCV003818067.2).

ClinVar aggregate classification (germline): Conflicting classifications of pathogenicity. Review status: criteria provided, conflicting classifications (1 of 4 stars). 2 submissions from 2 submitters: Uncertain significance (1); Likely benign (1). Last evaluated 2025-12-20.

gnomAD v4.1: 52 of 1,578,844 alleles (0.0033%); highest among the groups gnomAD compares: Non-Finnish European, 0.0042%; no homozygotes.

Submissions (2):

Labcorp Genetics (formerly Invitae), Labcorp
Classification: Uncertain significance. Last evaluated: 2025-12-20. Review status: criteria provided, single submitter. Criteria: Invitae Variant Classification Sherloc (09022015). Collection method: clinical testing. Allele origin: germline.
Comment: This sequence change replaces isoleucine, which is neutral and non-polar, with valine, which is neutral and non-polar, at codon 366 of the YME1L1 protein (p.Ile366Val). This variant is present in population databases (rs369228135, gnomAD 0.003%). This variant has not been reported in the literature in individuals affected with YME1L1-related conditions. ClinVar contains an entry for this variant (Variation ID: 3818067). An algorithm developed to predict the effect of missense changes on protein structure and function outputs the following: PolyPhen-2: "Benign". The valine amino acid residue is found in multiple mammalian species, which suggests that this missense change does not adversely affect protein function. In summary, the available evidence is currently insufficient to determine the role of this variant in disease. Therefore, it has been classified as a Variant of Uncertain Significance.

Ambry Genetics
Classification: Likely benign. Last evaluated: 2025-01-10. Review status: criteria provided, single submitter. Criteria: Ambry Variant Classification Scheme 2023. Collection method: clinical testing. Allele origin: germline.